The following is an entry in ClinVar:

NM_001875.5(CPS1):c.2860G>T (p.Val954Leu)

Gene: CPS1 (carbamoyl-phosphate synthase 1; plus strand). Cytogenetic location: 2q34.
Variant type: single nucleotide variant.
Coding change: c.2860G>T on transcript NM_001875.5 (MANE Select); coding-DNA position 2860, G replaced by T.
Protein change: p.Val954Leu; replaces valine 954 with leucine.
Molecular consequence: missense variant. On other transcripts: non-coding transcript variant (2).
Genome position (GRCh38, 1-based): chr2:210,639,180, G>T. VCF-style: chr2-210639180-G-T. GRCh37 (hg19) VCF-style: chr2-211503904-G-T.
Other names: c.2860G>T, p.Val954Leu (NM_001122633.3, NM_001369257.1); c.2893G>T, p.Val965Leu (NM_001369256.1); short protein forms V954L, V965L.
Identifiers: ClinVar variation 1488434 (VCV001488434.3), dbSNP rs756163174, ClinGen allele CA2086779.

ClinVar aggregate classification (germline): Uncertain significance (1 of 4 stars; one submission).

Conditions:
Congenital hyperammonemia, type I. Also called: CPS I DEFICIENCY; Carbamoyl phosphate synthetase 1 deficiency; Hyperammonemia due to carbamoyl phosphate synthetase 1 deficiency; CPS 1 deficiency; Carbamyl phosphate synthetase (CPS) deficiency; Carbamoyl-phosphate synthase I deficiency. Identifiers: Orphanet 147, MedGen C4082171, MONDO:0009376, OMIM 237300.

Allele frequency attached by ClinVar (database versions not stated): gnomAD exomes 0.00001 and 0.00003; ExAC 0.00002.
gnomAD v4.1: 17 of 1,613,220 alleles (0.0011%); highest among the groups gnomAD compares: East Asian, 0.038%; no homozygotes.

Submission:

Labcorp Genetics (formerly Invitae), Labcorp
Classification: Uncertain significance for Congenital hyperammonemia, type I. Last evaluated: 2022-04-20. Review status: criteria provided, single submitter. Criteria: Invitae Variant Classification Sherloc (09022015). Collection method: clinical testing. Allele origin: germline.
Comment: This sequence change replaces valine, which is neutral and non-polar, with leucine, which is neutral and non-polar, at codon 954 of the CPS1 protein (p.Val954Leu). This variant is present in population databases (rs756163174, gnomAD 0.01%). This variant has not been reported in the literature in individuals affected with CPS1-related conditions. Algorithms developed to predict the effect of missense changes on protein structure and function (SIFT, PolyPhen-2, Align-GVGD) all suggest that this variant is likely to be tolerated. In summary, the available evidence is currently insufficient to determine the role of this variant in disease. Therefore, it has been classified as a Variant of Uncertain Significance.